The following is an entry in ClinVar:

ClinVar aggregate classification (germline): Uncertain significance (1 of 4 stars; one submission).

gnomAD v4.1: 1 of 1,611,788 alleles (0.000062%); highest among the groups gnomAD compares: South Asian, 0.0011%; no homozygotes.

Submission:

Ambry Genetics
Classification: Uncertain significance. Last evaluated: 2025-07-09. Review status: criteria provided, single submitter. Criteria: Ambry Variant Classification Scheme 2023. Collection method: clinical testing. Allele origin: germline.
Comment: The p.V859M variant (also known as c.2575G>A), located in coding exon 11 of the WNK2 gene, results from a G to A substitution at nucleotide position 2575. The valine at codon 859 is replaced by methionine, an amino acid with highly similar properties. This amino acid position is conserved. In addition, this alteration is predicted to be tolerated by in silico analysis. Based on the available evidence, the clinical significance of this variant remains unclear.

NM_006648.4(WNK2):c.2575G>A (p.Val859Met)

Gene: WNK2 (WNK lysine deficient protein kinase 2; plus strand). Cytogenetic location: 9q22.31.
Variant type: single nucleotide variant.
Coding change: c.2575G>A on transcript NM_006648.4 (MANE Select); coding-DNA position 2575, G replaced by A.
Protein change: p.Val859Met; replaces valine 859 with methionine.
Molecular consequence: missense variant.
Genome position (GRCh38, 1-based): chr9:93,259,123, G>A. VCF-style: chr9-93259123-G-A. GRCh37 (hg19) VCF-style: chr9-96021405-G-A.
Other names: c.2575G>A, p.Val859Met (NM_001282394.3); short protein forms V859M.
Identifiers: ClinVar variation 4201605 (VCV004201605.1).